The following is an entry in ClinVar:

NM_005476.7(GNE):c.2132G>A (p.Ser711Asn)

Gene: GNE (glucosamine (UDP-N-acetyl)-2-epimerase/N-acetylmannosamine kinase; minus strand). Cytogenetic location: 9p13.3.
Variant type: single nucleotide variant.
Coding change: c.2132G>A on transcript NM_005476.7 (MANE Select); coding-DNA position 2132, G replaced by A.
Protein change: p.Ser711Asn; replaces serine 711 with asparagine.
Molecular consequence: missense variant.
Genome position (GRCh38, 1-based): chr9:36,217,402, C>T on the plus strand (G>A on the coding strand, the complement: GNE is on the minus strand). VCF-style: chr9-36217402-C-T. GRCh37 (hg19) VCF-style: chr9-36217399-C-T.
Other names: c.2225G>A, p.Ser742Asn (NM_001128227.3); c.1910G>A, p.Ser637Asn (NM_001190383.3); c.1802G>A, p.Ser601Asn (NM_001190384.3); c.1955G>A, p.Ser652Asn (NM_001190388.2, NM_001374798.1); c.1979G>A, p.Ser660Asn (NM_001374797.1); short protein forms S637N, S660N, S711N, S742N, S652N, S601N.
Identifiers: ClinVar variation 4783191 (VCV004783191.1).

ClinVar aggregate classification (germline): Uncertain significance (1 of 4 stars; one submission).

Conditions:
Sialuria. Also called: Sialic Acid Storage Disease; SIALURIA, FRENCH TYPE. Identifiers: Orphanet 3166, MedGen C0342853, MONDO:0010028, OMIM 269921.
GNE myopathy (NM). Also called: IBM 2; Inclusion body myopathy autosomal recessive; Inclusion body myopathy quadriceps sparing; NONAKA DISTAL MYOPATHY; INCLUSION BODY MYOPATHY, HEREDITARY, AUTOSOMAL RECESSIVE; INCLUSION BODY MYOPATHY 2, AUTOSOMAL RECESSIVE. Identifiers: Orphanet 602, MedGen C1853926, MONDO:0011603, OMIM 605820.

Submission:

Labcorp Genetics (formerly Invitae), Labcorp
Classification: Uncertain significance for Sialuria; GNE myopathy. Last evaluated: 2025-05-15. Review status: criteria provided, single submitter. Criteria: Invitae Variant Classification Sherloc (09022015). Collection method: clinical testing. Allele origin: germline.
Comment: This sequence change replaces serine, which is neutral and polar, with asparagine, which is neutral and polar, at codon 742 of the GNE protein (p.Ser742Asn). This variant is present in population databases (no rsID available, gnomAD 0.0009%). This variant has not been reported in the literature in individuals affected with GNE-related conditions. Invitae Evidence Modeling of protein sequence and biophysical properties (such as structural, functional, and spatial information, amino acid conservation, physicochemical variation, residue mobility, and thermodynamic stability) has been performed for this missense variant. However, the output from this modeling did not meet the statistical confidence thresholds required to predict the impact of this variant on GNE protein function. In summary, the available evidence is currently insufficient to determine the role of this variant in disease. Therefore, it has been classified as a Variant of Uncertain Significance.